The following is an entry in ClinVar:

NM_000553.6(WRN):c.1806G>C (p.Met602Ile)

Gene: WRN (WRN RecQ like helicase; plus strand). Cytogenetic location: 8p12.
Variant type: single nucleotide variant.
Coding change: c.1806G>C on transcript NM_000553.6 (MANE Select); coding-DNA position 1806, G replaced by C.
Protein change: p.Met602Ile; replaces methionine 602 with isoleucine.
Molecular consequence: missense variant.
Genome position (GRCh38, 1-based): chr8:31,090,919, G>C. VCF-style: chr8-31090919-G-C. GRCh37 (hg19) VCF-style: chr8-30948435-G-C.
Other names: short protein forms M602I.
Identifiers: ClinVar variation 458391 (VCV000458391.7), dbSNP rs201586173, ClinGen allele CA4704488.

ClinVar aggregate classification (germline): Uncertain significance (1 of 4 stars; one submission).

Conditions:
Werner syndrome (WRN). Identifiers: Orphanet 902, MedGen C0043119, MONDO:0010196, OMIM 277700.

Allele frequency attached by ClinVar (database versions not stated): ExAC 0.00001; gnomAD 0.00004; TOPMed 0.00004; gnomAD exomes 0.00008.
gnomAD v4.1: 126 of 1,612,550 alleles (0.0078%); highest among the groups gnomAD compares: Non-Finnish European, 0.01%; no homozygotes.

Submission:

Labcorp Genetics (formerly Invitae), Labcorp
Classification: Uncertain significance for Werner syndrome. Last evaluated: 2024-08-21. Review status: criteria provided, single submitter. Criteria: Invitae Variant Classification Sherloc (09022015). Collection method: clinical testing. Allele origin: germline.
Comment: This sequence change replaces methionine, which is neutral and non-polar, with isoleucine, which is neutral and non-polar, at codon 602 of the WRN protein (p.Met602Ile). This variant is present in population databases (rs201586173, gnomAD 0.003%). This variant has not been reported in the literature in individuals affected with WRN-related conditions. ClinVar contains an entry for this variant (Variation ID: 458391). An algorithm developed to predict the effect of missense changes on protein structure and function (PolyPhen-2) suggests that this variant is likely to be disruptive. In summary, the available evidence is currently insufficient to determine the role of this variant in disease. Therefore, it has been classified as a Variant of Uncertain Significance.